The following is an entry in ClinVar:

ClinVar aggregate classification (germline): Uncertain significance (1 of 4 stars; one submission).

Allele frequency attached by ClinVar (database versions not stated): gnomAD 0.00001; gnomAD exomes 0.00001; TOPMed 0.00003.
gnomAD v4.1: 18 of 1,531,368 alleles (0.0012%); highest among the groups gnomAD compares: Admixed American, 0.016%; no homozygotes.

Submission:

Ambry Genetics
Classification: Uncertain significance. Last evaluated: 2022-12-27. Review status: criteria provided, single submitter. Criteria: Ambry Variant Classification Scheme 2023. Collection method: clinical testing. Allele origin: germline.
Comment: The c.2239G>A (p.D747N) alteration is located in exon (coding exon ) of the SH3RF3 gene. This alteration results from a G to A substitution at nucleotide position 2239, causing the aspartic acid (D) at amino acid position 747 to be replaced by an asparagine (N). Based on insufficient or conflicting evidence, the clinical significance of this alteration remains unclear.

NM_001099289.3(SH3RF3):c.2239G>A (p.Asp747Asn)

Genes: RANBP2 (RAN binding protein 2; plus strand), SH3RF3 (SH3 domain containing ring finger 3; plus strand). Cytogenetic location: 2q13.
Variant type: single nucleotide variant.
Coding change: c.2239G>A on transcript NM_001099289.3 (MANE Select); coding-DNA position 2239, G replaced by A.
Protein change: p.Asp747Asn; replaces aspartic acid 747 with asparagine.
Molecular consequence: missense variant.
Genome position (GRCh38, 1-based): chr2:109,490,695, G>A. VCF-style: chr2-109490695-G-A. GRCh37 (hg19) VCF-style: chr2-110107151-G-A.
Other names: short protein forms D747N.
Identifiers: ClinVar variation 2299356 (VCV002299356.2), dbSNP rs974035900, ClinGen allele CA53506393.